The following is an entry in ClinVar:

ClinVar aggregate classification (germline): Conflicting classifications of pathogenicity. Review status: criteria provided, conflicting classifications (1 of 4 stars). 11 submissions from 11 submitters: Pathogenic (1); Likely pathogenic (7); Uncertain significance (3). Last evaluated 2025-08-15.

Conditions:
RARS2-related disorder. Also called: RARS2-related condition.
Inborn genetic diseases. Identifiers: MedGen C0950123, MeSH D030342.
Pontoneocerebellar hypoplasia. Also called: Pontocerebellar hypoplasia; Non-syndromic pontocerebellar hypoplasia. Identifiers: Orphanet 98523, MedGen C1261175, MONDO:0020135.
Abnormal brain morphology. Also called: Abnormality of brain morphology. Identifiers: MedGen C4021085, HP:0012443.
Pontocerebellar hypoplasia type 6 (PCH6). Identifiers: Orphanet 166073, MedGen C1969084, MONDO:0012683, OMIM 611523.

Allele frequency attached by ClinVar (database versions not stated): gnomAD exomes 0.00002 and 0.00006; TOPMed 0.00003; ExAC 0.00004.
gnomAD v4.1: 41 of 1,614,006 alleles (0.0025%); highest among the groups gnomAD compares: Admixed American, 0.015%; no homozygotes.

Submissions (11):

Natera, Inc.
Classification: Likely pathogenic for Pontocerebellar hypoplasia, type 6. Last evaluated: 2025-08-15. Review status: criteria provided, single submitter. Criteria: Natera Variant Classification Schema (03/2026). Collection method: clinical testing. Allele origin: germline.
Comment: The c.1327T>C variant in RARS2 is a missense variant predicted to cause substitution of serine to proline at amino acid 443. This variant is rare in the general population with a frequency below the threshold expected for the associated phenotype(s). This variant has been observed in one or more individuals affected with the associated recessive disease, as either homozygous or compound heterozygous with a second variant (PMID: 26539891, 26968897). This variant has been identified in one or more affected individual with a phenotype highly consistent with the associated gene (PMID: 26968897). Computational prediction algorithms indicate this variant is likely to affect gene or protein function. Given the available evidence, this variant is classified as Likely Pathogenic.

GeneDx
Classification: Likely pathogenic. Last evaluated: 2025-08-11. Review status: criteria provided, single submitter. Criteria: GeneDx Variant Classification Process June 2021. Collection method: clinical testing. Allele origin: germline. Affected: yes.
Comment: In silico analysis supports that this missense variant has a deleterious effect on protein structure/function; This variant is associated with the following publications: (PMID: 31589614, 34426522, Ginevrino2019[thesis], 34085948, 26968897, 32585800, 39230874, 26539891)

Ambry Genetics
Classification: Uncertain significance for Inborn genetic diseases. Last evaluated: 2024-12-04. Review status: criteria provided, single submitter. Criteria: Ambry Variant Classification Scheme 2023. Collection method: clinical testing. Allele origin: germline.
Comment: The c.1327T>C (p.S443P) alteration is located in exon 16 (coding exon 16) of the RARS2 gene. This alteration results from a T to C substitution at nucleotide position 1327, causing the serine (S) at amino acid position 443 to be replaced by a proline (P). The c.1327T>C (p.S443P) alteration has been reported homozygous in siblings with features suggestive of pontocerebellar hypoplasia, but the siblings also were reported with a second homozygous alteration in the SNX14 gene that could also explain disease. This alteration was also reported to occur in a patient with pontocerebellar hypoplasia along with a second likely pathogenic alteration affecting the initiation codon; however, phase was not confirmed. The p.S443P alteration is predicted to be tolerated by in silico analysis. Based on insufficient or conflicting evidence, the clinical significance of this alteration remains unclear.

Labcorp Genetics (formerly Invitae), Labcorp
Classification: Uncertain significance. Last evaluated: 2024-10-23. Review status: criteria provided, single submitter. Criteria: Invitae Variant Classification Sherloc (09022015). Collection method: clinical testing. Allele origin: germline.
Comment: This sequence change replaces serine, which is neutral and polar, with proline, which is neutral and non-polar, at codon 443 of the RARS2 protein (p.Ser443Pro). This variant is present in population databases (rs775295739, gnomAD 0.02%). This missense change has been observed in individual(s) with pontocerebellar hypoplasia (PMID: 26539891, 34085948). ClinVar contains an entry for this variant (Variation ID: 402195). Invitae Evidence Modeling of protein sequence and biophysical properties (such as structural, functional, and spatial information, amino acid conservation, physicochemical variation, residue mobility, and thermodynamic stability) indicates that this missense variant is expected to disrupt RARS2 protein function with a positive predictive value of 95%. In summary, the available evidence is currently insufficient to determine the role of this variant in disease. Therefore, it has been classified as a Variant of Uncertain Significance.

Blueprint Genetics
Classification: Likely pathogenic for RARS2-related disorders. Last evaluated: 2024-04-17. Review status: criteria provided, single submitter. Criteria: ACMG Guidelines, 2015. Collection method: clinical testing. Allele origin: germline. Affected: yes. Observed: 3 variant alleles.

Baylor Genetics
Classification: Pathogenic for Pontocerebellar hypoplasia type 6. Last evaluated: 2024-03-26. Review status: criteria provided, single submitter. Criteria: ACMG Guidelines, 2015. Collection method: clinical testing. Allele origin: unknown.

3billion
Classification: Likely pathogenic for Pontocerebellar hypoplasia type 6. Last evaluated: 2023-12-28. Review status: criteria provided, single submitter. Criteria: ACMG Guidelines, 2015. Collection method: clinical testing. Allele origin: germline. Affected: yes.
Comment: The variant is observed at an extremely low frequency in the gnomAD v2.1.1 dataset (total allele frequency: 0.006%). Predicted Consequence/Location: The majority of the known disease-causing variants of this gene are variants expected to result in premature termination of the protein. In silico tool predictions suggest damaging effect of the variant on gene or gene product [REVEL: 0.60 (>=0.6, sensitivity 0.68 and specificity 0.92); 3Cnet: 0.91 (>=0.6, sensitivity 0.72 and precision 0.9)]. Same nucleotide change resulting in same amino acid change has been previously reported as pathogenic/likely pathogenic with strong evidence (ClinVar ID: VCV000402195 /PMID: 26539891). Therefore, this variant is classified as Likely pathogenic according to the recommendation of ACMG/AMP guideline.

Laboratorio de Genetica e Diagnostico Molecular, Hospital Israelita Albert Einstein
Classification: Uncertain significance for Pontocerebellar hypoplasia type 6. Last evaluated: 2023-03-03. Review status: criteria provided, single submitter. Criteria: ACMG Guidelines, 2015. Collection method: clinical testing. Allele origin: germline. Affected: yes.
Comment: ACMG classification criteria: PM2 supporting, PM3 moderate

PreventionGenetics, part of Exact Sciences
Classification: Likely pathogenic for RARS2-related condition. Last evaluated: 2022-09-01. Review status: criteria provided, single submitter. Criteria: ACMG Guidelines, 2015. Collection method: clinical testing. Allele origin: germline.
Comment: The RARS2 c.1327T>C variant is predicted to result in the amino acid substitution p.Ser443Pro. This variant has been reported in the homozygous state in two siblings with Intellectual disability, atrophy of bilateral cerebellum, hypoplastic vermis, seizures (Supp. Figure 1, Table S1A, Karaca et al. 2015. PubMed ID: 26539891). It has also been reported in the compound heterozygous state in an individual with respiratory distress, microcephaly, PMD, epilepsy, and pontocerebellar hypoplasia (Table 1, Legati et al. 2016. PubMed ID: 26968897; Nuovo et al. 2022. PubMed ID: 34085948). This variant is interpreted as likely pathogenic.

Women's Health and Genetics/Laboratory Corporation of America, LabCorp
Classification: Likely pathogenic for Pontoneocerebellar hypoplasia. Last evaluated: 2022-07-30. Review status: criteria provided, single submitter. Criteria: LabCorp Variant Classification Summary - May 2015. Collection method: clinical testing. Allele origin: germline.
Comment: Variant summary: RARS2 c.1327T>C (p.Ser443Pro) results in a non-conservative amino acid change located in the Arginyl-tRNA synthetase, catalytic core domain (IPR035684) of the encoded protein sequence. Four of five in-silico tools predict a damaging effect of the variant on protein function. The variant allele was found at a frequency of 6e-05 in 251374 control chromosomes. c.1327T>C has been reported in the literature as homozygous and compound heterozygous genotype in individuals reportedly affected with features of infantile-onset myoclonic developmental and epleptic encephalopathy/Neurogenetic disorders with brain malfornations/mitochondorial disorders/a neuroradiological diagnosis of Pontocerebellar Hypoplasia (PCH) (example, Karaca_2015, Legati_2016, Matricardi_2019, Nuovo_2022, de Valles-lanez_2022). These data indicate that the variant is likely to be associated with disease. To our knowledge, no experimental evidence demonstrating an impact on protein function has been reported. One clinical diagnostic laboratory has submitted clinical-significance assessments for this variant to ClinVar after 2014 without evidence for independent evaluation and classified the variant as uncertain significance. Based on the evidence outlined above, the variant was classified as Likely Pathogenic.

Lupski Lab, Baylor-Hopkins CMG, Baylor College of Medicine
Classification: Likely pathogenic for Abnormal brain morphology. Review status: criteria provided, single submitter. Criteria: Karaca et al. (Neuron 2015). Collection method: research. Allele origin: inherited. Inheritance: Autosomal recessive inheritance. Affected: yes.

Literature cited by the submitters: PubMed 26539891 (cited by 4 submitters); PubMed 26968897 (cited by Natera, Inc. and Women's Health and Genetics/Laboratory Corporation of America, LabCorp); PubMed 34085948 (cited by Labcorp Genetics (formerly Invitae), Labcorp and Women's Health and Genetics/Laboratory Corporation of America, LabCorp); PubMed 34717047 (cited by Women's Health and Genetics/Laboratory Corporation of America, LabCorp); PubMed 31102535 (cited by Women's Health and Genetics/Laboratory Corporation of America, LabCorp); PubMed 34869784 (cited by Women's Health and Genetics/Laboratory Corporation of America, LabCorp).

NM_020320.5(RARS2):c.1327T>C (p.Ser443Pro)

Gene: RARS2 (arginyl-tRNA synthetase 2, mitochondrial; minus strand). Cytogenetic location: 6q15.
Variant type: single nucleotide variant.
Coding change: c.1327T>C on transcript NM_020320.5 (MANE Select); coding-DNA position 1327, T replaced by C.
Protein change: p.Ser443Pro; replaces serine 443 with proline.
Molecular consequence: missense variant. On other transcripts: non-coding transcript variant (23).
Genome position (GRCh38, 1-based): chr6:87,518,718, A>G on the plus strand (T>C on the coding strand, the complement: RARS2 is on the minus strand). VCF-style: chr6-87518718-A-G. GRCh37 (hg19) VCF-style: chr6-88228436-A-G.
Other names: c.802T>C, p.Ser268Pro (NM_001318785.2, NM_001350506.2, NM_001350507.2 and 4 more transcripts); c.1327T>C, p.Ser443Pro (NM_001350505.2); short protein forms S443P, S268P.
Identifiers: ClinVar variation 402195 (VCV000402195.18), dbSNP rs775295739, ClinGen allele CA3916314.
Genomic context (GRCh38, chr6:87,518,718, plus strand): 5'-GGAAGACTCCTGTGTCCCCGCGACTCTGGAAAACACGATCCCAGCTGAACTTGTAGTCAG[A>G]TAAGAGTAAACCTTTGAAGTCCTAAAACGACAGAGGAAATCTTCACTGCTGGGATTTGCT-3'
Protein context (NP_064716.2, residues 433-453): IIQDFKGLLL[Ser443Pro]DYKFSWDRVF